The following is an entry in ClinVar:

NM_004168.4(SDHA):c.494A>G (p.Asp165Gly)

Gene: SDHA (succinate dehydrogenase complex flavoprotein subunit A; plus strand). Cytogenetic location: 5p15.33.
Variant type: single nucleotide variant.
Coding change: c.494A>G on transcript NM_004168.4 (MANE Select); coding-DNA position 494, A replaced by G.
Protein change: p.Asp165Gly; replaces aspartic acid 165 with glycine.
Molecular consequence: missense variant.
Genome position (GRCh38, 1-based): chr5:225,920, A>G. VCF-style: chr5-225920-A-G. GRCh37 (hg19) VCF-style: chr5-226035-A-G.
Other names: c.350A>G, p.Asp117Gly (NM_001294332.2); c.494A>G, p.Asp165Gly (NM_001330758.2); c.494A>G (NM_004168.2); short protein forms D117G, D165G.
Identifiers: ClinVar variation 948548 (VCV000948548.11), dbSNP rs1734989377, ClinGen allele CA359010024.
Genomic context (GRCh38, chr5:225,920, plus strand): 5'-TTGTTTGTTTTTATCTTTCACAGCTAGAAAATTATGGCATGCCGTTTAGCAGAACTGAAG[A>G]TGGGAAGATTTATCAGCGTGCATTTGGTGGACAGAGCCTCAAGTTTGGAAAGGGCGGGCA-3'
Protein context (NP_004159.2, residues 155-175): NYGMPFSRTE[Asp165Gly]GKIYQRAFGG

ClinVar aggregate classification (germline): Uncertain significance. Review status: criteria provided, multiple submitters, no conflicts (2 of 4 stars). 2 submissions from 2 submitters: Uncertain significance (2). Last evaluated 2025-03-03.

Conditions:
Hereditary cancer-predisposing syndrome. Also called: Hereditary Cancer Syndrome; Neoplastic Syndromes, Hereditary; Tumor predisposition; Hereditary neoplastic syndrome. Identifiers: Orphanet 140162, MedGen C0027672, MeSH D009386, MONDO:0015356.
Mitochondrial complex II deficiency, nuclear type 1. Also called: SUCCINATE CoQ REDUCTASE DEFICIENCY. Identifiers: Orphanet 3208, MedGen C5700310, MONDO:0100294, OMIM 252011.
Pheochromocytoma/paraganglioma syndrome 5. Also called: Paragangliomas 5; SDHA-Related Hereditary Paraganglioma-Pheochromocytoma Syndrome. Identifiers: Orphanet 29072, MedGen C3279992, MONDO:0013602, OMIM 614165.

Allele frequency attached by ClinVar (database versions not stated): gnomAD exomes below 0.00001.
gnomAD v4.1: 4 of 1,613,508 alleles (0.00025%); highest among the groups gnomAD compares: African/African-American, 0.004%; no homozygotes.

Submissions (2):

Labcorp Genetics (formerly Invitae), Labcorp
Classification: Uncertain significance for Pheochromocytoma/paraganglioma syndrome 5; Mitochondrial complex II deficiency, nuclear type 1. Last evaluated: 2025-03-03. Review status: criteria provided, single submitter. Criteria: Invitae Variant Classification Sherloc (09022015). Collection method: clinical testing. Allele origin: germline.
Comment: This sequence change replaces aspartic acid, which is acidic and polar, with glycine, which is neutral and non-polar, at codon 165 of the SDHA protein (p.Asp165Gly). This variant is not present in population databases (gnomAD no frequency). This variant has not been reported in the literature in individuals affected with SDHA-related conditions. ClinVar contains an entry for this variant (Variation ID: 948548). Invitae Evidence Modeling of protein sequence and biophysical properties (such as structural, functional, and spatial information, amino acid conservation, physicochemical variation, residue mobility, and thermodynamic stability) indicates that this missense variant is not expected to disrupt SDHA protein function with a negative predictive value of 95%. In summary, the available evidence is currently insufficient to determine the role of this variant in disease. Therefore, it has been classified as a Variant of Uncertain Significance.

Ambry Genetics
Classification: Uncertain significance for Hereditary cancer-predisposing syndrome. Last evaluated: 2023-11-30. Review status: criteria provided, single submitter. Criteria: Ambry Variant Classification Scheme 2023. Collection method: clinical testing. Allele origin: germline.
Comment: The p.D165G variant (also known as c.494A>G), located in coding exon 5 of the SDHA gene, results from an A to G substitution at nucleotide position 494. The aspartic acid at codon 165 is replaced by glycine, an amino acid with similar properties. This amino acid position is conserved. In addition, the in silico prediction for this alteration is inconclusive. Since supporting evidence is limited at this time, the clinical significance of this alteration remains unclear.